The following is an entry in ClinVar:

NM_000256.3(MYBPC3):c.2968C>G (p.Pro990Ala)

Gene: MYBPC3 (myosin binding protein C3; minus strand). Cytogenetic location: 11p11.2.
Variant type: single nucleotide variant.
Coding change: c.2968C>G on transcript NM_000256.3 (MANE Select); coding-DNA position 2968, C replaced by G.
Protein change: p.Pro990Ala; replaces proline 990 with alanine.
Molecular consequence: missense variant.
Genome position (GRCh38, 1-based): chr11:47,333,948, G>C on the plus strand (C>G on the coding strand, the complement: MYBPC3 is on the minus strand). VCF-style: chr11-47333948-G-C. GRCh37 (hg19) VCF-style: chr11-47355499-G-C.
Other names: p.Pro990Ala; short protein forms P990A.
Identifiers: ClinVar variation 1000925 (VCV001000925.11), dbSNP rs776100156, ClinGen allele CA380315842.

ClinVar aggregate classification (germline): Uncertain significance. Review status: criteria provided, multiple submitters, no conflicts (2 of 4 stars). 3 submissions from 3 submitters: Uncertain significance (3). Last evaluated 2026-06-25.

Conditions:
Hypertrophic cardiomyopathy. Also called: HYPERTROPHIC MYOCARDIOPATHY. Identifiers: Orphanet 217569, MedGen C0007194, MeSH D002312, MONDO:0005045, HP:0001639.

gnomAD v4.1: 1 of 1,581,634 alleles (0.000063%); highest among the groups gnomAD compares: Non-Finnish European, 0.000086%; no homozygotes.

Submissions (3):

GeneDx
Classification: Uncertain significance. Last evaluated: 2026-06-25. Review status: criteria provided, single submitter. Criteria: GeneDx Variant Classification Process June 2021. Collection method: clinical testing. Allele origin: germline.
Comment: Identified in patients with HCM in published literature (PMID: 37652022, 27532257); Not observed at significant frequency in large population cohorts (gnomAD); In silico analysis suggests that this missense variant does not alter protein structure/function; This variant is associated with the following publications: (PMID: 37652022, 27532257)

Labcorp Genetics (formerly Invitae), Labcorp
Classification: Uncertain significance for Hypertrophic cardiomyopathy. Last evaluated: 2024-11-17. Review status: criteria provided, single submitter. Criteria: Invitae Variant Classification Sherloc (09022015). Collection method: clinical testing. Allele origin: germline.
Comment: This sequence change replaces proline, which is neutral and non-polar, with alanine, which is neutral and non-polar, at codon 990 of the MYBPC3 protein (p.Pro990Ala). This variant is not present in population databases (gnomAD no frequency). This missense change has been observed in individual(s) with hypertrophic cardiomyopathy (PMID: 27532257, 37652022). ClinVar contains an entry for this variant (Variation ID: 1000925). An algorithm developed to predict the effect of missense changes on protein structure and function (PolyPhen-2) suggests that this variant is likely to be tolerated. In summary, the available evidence is currently insufficient to determine the role of this variant in disease. Therefore, it has been classified as a Variant of Uncertain Significance.

Mayo Clinic Laboratories, Mayo Clinic
Classification: Uncertain significance. Last evaluated: 2022-10-05. Review status: criteria provided, single submitter. Criteria: ACMG Guidelines, 2015. Collection method: clinical testing. Allele origin: germline. Observed: 1 variant allele.
Comment: BP4, PM2_supporting

Literature cited by the submitters: PubMed 27532257 (cited by Labcorp Genetics (formerly Invitae), Labcorp and Mayo Clinic Laboratories, Mayo Clinic); PubMed 37652022 (cited by Labcorp Genetics (formerly Invitae), Labcorp).